The following is an entry in ClinVar:

ClinVar aggregate classification (germline): Uncertain significance (1 of 4 stars; one submission).

Conditions:
Hereditary cancer-predisposing syndrome. Also called: Hereditary Cancer Syndrome; Hereditary neoplastic syndrome; Tumor predisposition; Neoplastic Syndromes, Hereditary. Identifiers: Orphanet 140162, MedGen C0027672, MeSH D009386, MONDO:0015356.
Cardiovascular phenotype. Identifiers: MedGen CN230736.

gnomAD v4.1: 1 of 1,612,462 alleles (0.000062%); highest among the groups gnomAD compares: Non-Finnish European, 0.000085%; no homozygotes.

Submission:

Ambry Genetics
Classification: Uncertain significance for Cardiovascular phenotype; Hereditary cancer-predisposing syndrome. Last evaluated: 2024-08-02. Review status: criteria provided, single submitter. Criteria: Ambry Variant Classification Scheme 2023. Collection method: clinical testing. Allele origin: germline.
Comment: The p.G450A variant (also known as c.1349G>C), located in coding exon 12 of the LZTR1 gene, results from a G to C substitution at nucleotide position 1349. The glycine at codon 450 is replaced by alanine, an amino acid with similar properties. This amino acid position is conserved. In addition, the in silico prediction for this alteration is inconclusive. Based on the available evidence, the clinical significance of this variant remains unclear.

NM_006767.4(LZTR1):c.1349G>C (p.Gly450Ala)

Gene: LZTR1 (leucine zipper like post translational regulator 1; plus strand). Cytogenetic location: 22q11.21.
Variant type: single nucleotide variant.
Coding change: c.1349G>C on transcript NM_006767.4 (MANE Select); coding-DNA position 1349, G replaced by C.
Protein change: p.Gly450Ala; replaces glycine 450 with alanine.
Molecular consequence: missense variant.
Genome position (GRCh38, 1-based): chr22:20,993,750, G>C. VCF-style: chr22-20993750-G-C. GRCh37 (hg19) VCF-style: chr22-21348039-G-C.
Other names: short protein forms G450A.
Identifiers: ClinVar variation 3541593 (VCV003541593.1).